The following is an entry in ClinVar:

NM_000143.4(FH):c.526C>G (p.His176Asp)

Gene: FH (fumarate hydratase; minus strand). Cytogenetic location: 1q43.
Variant type: single nucleotide variant.
Coding change: c.526C>G on transcript NM_000143.4 (MANE Select); coding-DNA position 526, C replaced by G.
Protein change: p.His176Asp; replaces histidine 176 with aspartic acid.
Molecular consequence: missense variant.
Genome position (GRCh38, 1-based): chr1:241,511,996, G>C on the plus strand (C>G on the coding strand, the complement: FH is on the minus strand). VCF-style: chr1-241511996-G-C. GRCh37 (hg19) VCF-style: chr1-241675296-G-C.
Other names: short protein forms H176D.
Identifiers: ClinVar variation 2916740 (VCV002916740.3), dbSNP rs2147921804, ClinGen allele CA345439907.

ClinVar aggregate classification (germline): Uncertain significance (1 of 4 stars; one submission).

Submission:

Labcorp Genetics (formerly Invitae), Labcorp
Classification: Uncertain significance. Last evaluated: 2023-05-26. Review status: criteria provided, single submitter. Criteria: Invitae Variant Classification Sherloc (09022015). Collection method: clinical testing. Allele origin: germline.
Comment: This sequence change replaces histidine, which is basic and polar, with aspartic acid, which is acidic and polar, at codon 176 of the FH protein (p.His176Asp). This variant is not present in population databases (gnomAD no frequency). This variant has not been reported in the literature in individuals affected with FH-related conditions. Advanced modeling of protein sequence and biophysical properties (such as structural, functional, and spatial information, amino acid conservation, physicochemical variation, residue mobility, and thermodynamic stability) performed at Invitae indicates that this missense variant is expected to disrupt FH protein function. In summary, the available evidence is currently insufficient to determine the role of this variant in disease. Therefore, it has been classified as a Variant of Uncertain Significance.